The following is an entry in ClinVar:

NM_005144.5(HR):c.85G>A (p.Gly29Ser)

Gene: HR (HR lysine demethylase and nuclear receptor corepressor; minus strand). Cytogenetic location: 8p21.3.
Variant type: single nucleotide variant.
Coding change: c.85G>A on transcript NM_005144.5 (MANE Select); coding-DNA position 85, G replaced by A.
Protein change: p.Gly29Ser; replaces glycine 29 with serine.
Molecular consequence: missense variant.
Genome position (GRCh38, 1-based): chr8:22,129,086, C>T on the plus strand (G>A on the coding strand, the complement: HR is on the minus strand). VCF-style: chr8-22129086-C-T. GRCh37 (hg19) VCF-style: chr8-21986599-C-T.
Other names: c.85G>A, p.Gly29Ser (NM_018411.4); short protein forms G29S.
Identifiers: ClinVar variation 362532 (VCV000362532.9), dbSNP rs774239265, ClinGen allele CA4662798.

ClinVar aggregate classification (germline): Uncertain significance. Review status: criteria provided, multiple submitters, no conflicts (2 of 4 stars). 4 submissions from 3 submitters: Uncertain significance (4). Last evaluated 2026-01-08.

Conditions:
Atrichia with papular lesions (APL). Also called: PAPULAR ATRICHIA. Identifiers: Orphanet 86819, MedGen C1859592, MONDO:0008847, OMIM 209500.
Inborn genetic diseases. Identifiers: MedGen C0950123, MeSH D030342.
Alopecia universalis congenita (ALUNC). Also called: ATRICHIA, GENERALIZED. Identifiers: Orphanet 701, MedGen C1859877, MONDO:0008757, OMIM 203655.

Allele frequency attached by ClinVar (database versions not stated): gnomAD 0.00003 and 0.00004; ExAC 0.00004; gnomAD exomes 0.00004; TOPMed 0.00004.
gnomAD v4.1: 106 of 1,575,348 alleles (0.0067%); highest among the groups gnomAD compares: Middle Eastern, 0.034%; 1 homozygote.

Submissions (4):

Labcorp Genetics (formerly Invitae), Labcorp
Classification: Uncertain significance. Last evaluated: 2026-01-08. Review status: criteria provided, single submitter. Criteria: Invitae Variant Classification Sherloc (09022015). Collection method: clinical testing. Allele origin: germline.
Comment: This sequence change replaces glycine, which is neutral and non-polar, with serine, which is neutral and polar, at codon 29 of the HR protein (p.Gly29Ser). This variant is present in population databases (rs774239265, gnomAD 0.009%). This variant has not been reported in the literature in individuals affected with HR-related conditions. ClinVar contains an entry for this variant (Variation ID: 362532). An algorithm developed to predict the effect of missense changes on protein structure and function outputs the following: PolyPhen-2: "Benign". The serine amino acid residue is found in multiple mammalian species, which suggests that this missense change does not adversely affect protein function. In summary, the available evidence is currently insufficient to determine the role of this variant in disease. Therefore, it has been classified as a Variant of Uncertain Significance.

Ambry Genetics
Classification: Uncertain significance for Inborn genetic diseases. Last evaluated: 2024-10-29. Review status: criteria provided, single submitter. Criteria: Ambry Variant Classification Scheme 2023. Collection method: clinical testing. Allele origin: germline.

Illumina Laboratory Services, Illumina
Classification: Uncertain significance for Atrichia with papular lesions. Last evaluated: 2018-01-13. Review status: criteria provided, single submitter. Criteria: ICSL Variant Classification Criteria 13 December 2019. Collection method: clinical testing. Allele origin: germline.

Illumina Laboratory Services, Illumina
Classification: Uncertain significance for Alopecia universalis congenita. Last evaluated: 2018-01-13. Review status: criteria provided, single submitter. Criteria: ICSL Variant Classification Criteria 13 December 2019. Collection method: clinical testing. Allele origin: germline.